The following is an entry in ClinVar:

ClinVar aggregate classification (germline): Conflicting classifications of pathogenicity. Review status: criteria provided, conflicting classifications (1 of 4 stars). 3 submissions from 3 submitters: Likely pathogenic (1); Uncertain significance (2). Last evaluated 2025-04-23.

Conditions:
Gastrointestinal stromal tumor. Also called: Gastrointestinal stroma tumor; Gastrointestinal stromal tumor, somatic. Identifiers: Orphanet 44890, MedGen C0238198, MeSH D046152, MONDO:0011719, OMIM 606764, HP:0100723.
Carney-Stratakis syndrome. Also called: PARAGANGLIOMA AND GASTROINTESTINAL STROMAL TUMOR. Identifiers: Orphanet 97286, MedGen C1847319, MONDO:0011740, OMIM 606864.
Pheochromocytoma/paraganglioma syndrome 4. Also called: CAROTID BODY TUMORS AND MULTIPLE EXTRAADRENAL PHEOCHROMOCYTOMAS; SDHB-Related Hereditary Paraganglioma-Pheochromocytoma Syndrome; PARAGANGLIOMA, FAMILIAL MALIGNANT; PARAGANGLIOMAS, HEREDITARY EXTRAADRENAL; PHEOCHROMOCYTOMA, FAMILIAL EXTRAADRENAL; Paragangliomas 4. Identifiers: Orphanet 29072, MedGen C1861848, MONDO:0007273, OMIM 115310.
Mitochondrial complex 2 deficiency, nuclear type 4. Also called: MITOCHONDRIAL COMPLEX II DEFICIENCY, NUCLEAR TYPE 4. Identifiers: MedGen C5543176, MONDO:0030974, OMIM 619224.
Pheochromocytoma. Also called: MAX-Related Hereditary Paraganglioma-Pheochromocytoma Syndrome. Identifiers: Orphanet 29072, MedGen C0031511, MONDO:0008233, OMIM 171300, HP:0002666.

Submissions (3):

Labcorp Genetics (formerly Invitae), Labcorp
Classification: Likely pathogenic for Gastrointestinal stromal tumor; Pheochromocytoma/paraganglioma syndrome 4; Pheochromocytoma. Last evaluated: 2025-04-23. Review status: criteria provided, single submitter. Criteria: Invitae Variant Classification Sherloc (09022015). Collection method: clinical testing. Allele origin: germline.
Comment: This sequence change replaces arginine, which is basic and polar, with leucine, which is neutral and non-polar, at codon 90 of the SDHB protein (p.Arg90Leu). This variant is not present in population databases (gnomAD no frequency). This variant has not been reported in the literature in individuals affected with SDHB-related conditions. ClinVar contains an entry for this variant (Variation ID: 1493254). Invitae Evidence Modeling of protein sequence and biophysical properties (such as structural, functional, and spatial information, amino acid conservation, physicochemical variation, residue mobility, and thermodynamic stability) indicates that this missense variant is expected to disrupt SDHB protein function with a positive predictive value of 80%. Algorithms developed to predict the effect of sequence changes on RNA splicing suggest that this variant may disrupt the consensus splice site. This variant disrupts the p.Arg90 amino acid residue in SDHB. Other variant(s) that disrupt this residue have been determined to be pathogenic (PMID: 17102082, 23175444, 26269449). This suggests that this residue is clinically significant, and that variants that disrupt this residue are likely to be disease-causing. In summary, the currently available evidence indicates that the variant is pathogenic, but additional data are needed to prove that conclusively. Therefore, this variant has been classified as Likely Pathogenic.

Department of Pathology and Laboratory Medicine, Sinai Health System
Classification: Uncertain significance for Pheochromocytoma/paraganglioma syndrome 4; Gastrointestinal stromal tumor; Carney-Stratakis syndrome; Mitochondrial complex 2 deficiency, nuclear type 4. Last evaluated: 2024-05-16. Review status: criteria provided, single submitter. Criteria: ACMG Guidelines, 2015. Collection method: clinical testing. Allele origin: germline. Affected: no.

Baylor Genetics
Classification: Uncertain significance for Gastrointestinal stromal tumor. Last evaluated: 2023-10-16. Review status: criteria provided, single submitter. Criteria: ACMG Guidelines, 2015. Collection method: clinical testing. Allele origin: unknown.

Literature cited by the submitters: PubMed 17102082 (cited by Labcorp Genetics (formerly Invitae), Labcorp); PubMed 23175444 (cited by Labcorp Genetics (formerly Invitae), Labcorp); PubMed 26269449 (cited by Labcorp Genetics (formerly Invitae), Labcorp).

NM_003000.3(SDHB):c.269G>T (p.Arg90Leu)

Gene: SDHB (succinate dehydrogenase complex iron sulfur subunit B; minus strand). Cytogenetic location: 1p36.13.
Variant type: single nucleotide variant.
Coding change: c.269G>T on transcript NM_003000.3 (MANE Select); coding-DNA position 269, G replaced by T.
Protein change: p.Arg90Leu; replaces arginine 90 with leucine.
Molecular consequence: missense variant.
Genome position (GRCh38, 1-based): chr1:17,033,077, C>A on the plus strand (G>T on the coding strand, the complement: SDHB is on the minus strand). VCF-style: chr1-17033077-C-A. GRCh37 (hg19) VCF-style: chr1-17359572-C-A.
Other names: short protein forms R90L.
Identifiers: ClinVar variation 1493254 (VCV001493254.10), dbSNP rs570278423, ClinGen allele CA338276442.